The following is an entry in ClinVar:

NM_016247.4(IMPG2):c.2267A>G (p.Tyr756Cys)

Gene: IMPG2 (interphotoreceptor matrix proteoglycan 2; minus strand). Cytogenetic location: 3q12.3.
Variant type: single nucleotide variant.
Coding change: c.2267A>G on transcript NM_016247.4 (MANE Select); coding-DNA position 2267, A replaced by G.
Protein change: p.Tyr756Cys; replaces tyrosine 756 with cysteine.
Molecular consequence: missense variant.
Genome position (GRCh38, 1-based): chr3:101,244,064, T>C on the plus strand (A>G on the coding strand, the complement: IMPG2 is on the minus strand). VCF-style: chr3-101244064-T-C. GRCh37 (hg19) VCF-style: chr3-100962908-T-C.
Other names: c.2267A>G (NM_016247.3); short protein forms Y756C.
Identifiers: ClinVar variation 1043080 (VCV001043080.11), dbSNP rs560007101, ClinGen allele CA2519007.
Genomic context (GRCh38, chr3:101,244,064, plus strand): 5'-ATAGTCCACAAAGTTTGCATATCTGGCTTTACCATTGAAACCTCACTGTCAAACCATTCA[T>C]AGTTGGATGACTCAGTAATTTGTTCCATATCCTCCCTTAGGATGGCATCTGCCTGATCTG-3'
Protein context (NP_057331.2, residues 746-766): DMEQITESSN[Tyr756Cys]EWFDSEVSMV

ClinVar aggregate classification (germline): Uncertain significance. Review status: criteria provided, multiple submitters, no conflicts (2 of 4 stars). 4 submissions from 4 submitters: Uncertain significance (3). 1 of the submissions does not count toward it. Last evaluated 2025-06-26.

Conditions:
Retinal dystrophy. Also called: Inherited retinal dystrophy. Identifiers: Orphanet 71862, MedGen C0854723, MeSH D058499, MONDO:0019118, HP:0000556.
IMPG2-related disorder. Also called: IMPG2-related condition.

Allele frequency attached by ClinVar (database versions not stated): gnomAD below 0.00001 and 0.00001; gnomAD exomes 0.00001 and 0.00003; TOPMed 0.00002; ExAC 0.00003; 1000 Genomes Project 30x 0.00016; 1000 Genomes Project 0.00020.
gnomAD v4.1: 19 of 1,614,026 alleles (0.0012%); highest among the groups gnomAD compares: East Asian, 0.011%; no homozygotes.

Submissions (4):

PreventionGenetics, part of Exact Sciences
Classification: Uncertain significance for IMPG2-related condition. Last evaluated: 2025-06-26. Review status: criteria provided, single submitter. Criteria: ACMG Guidelines, 2015. Collection method: clinical testing. Allele origin: germline.
Comment: The IMPG2 c.2267A>G variant is predicted to result in the amino acid substitution p.Tyr756Cys. This variant has been reported in the homozygous state in an individual with retinitis pigmentosa (Supplementary table 1, Weisschuh et al. 2024. PubMed ID: 37734845). This variant is reported in 0.022% of alleles in individuals of East Asian descent in gnomAD. At this time, the clinical significance of this variant is uncertain due to the absence of conclusive functional and genetic evidence.

Labcorp Genetics (formerly Invitae), Labcorp
Classification: Uncertain significance. Last evaluated: 2025-01-06. Review status: criteria provided, single submitter. Criteria: Invitae Variant Classification Sherloc (09022015). Collection method: clinical testing. Allele origin: germline.
Comment: This sequence change replaces tyrosine, which is neutral and polar, with cysteine, which is neutral and slightly polar, at codon 756 of the IMPG2 protein (p.Tyr756Cys). This variant is present in population databases (rs560007101, gnomAD 0.02%). This missense change has been observed in individual(s) with clinical features of retinitis pigmentosa (internal data). In at least one individual the data is consistent with being in trans (on the opposite chromosome) from a pathogenic variant. ClinVar contains an entry for this variant (Variation ID: 1043080). Invitae Evidence Modeling of protein sequence and biophysical properties (such as structural, functional, and spatial information, amino acid conservation, physicochemical variation, residue mobility, and thermodynamic stability) indicates that this missense variant is not expected to disrupt IMPG2 protein function with a negative predictive value of 80%. In summary, the available evidence is currently insufficient to determine the role of this variant in disease. Therefore, it has been classified as a Variant of Uncertain Significance.

Blueprint Genetics
Classification: Uncertain significance. Last evaluated: 2023-05-25. Review status: criteria provided, single submitter. Criteria: ACMG Guidelines, 2015. Collection method: clinical testing. Allele origin: germline.

Institute of Human Genetics, Univ. Regensburg, Univ. Regensburg
Classification: Uncertain significance for Retinal dystrophy. Last evaluated: 2023-01-01. Review status: no assertion criteria provided. Criteria: ACMG Guidelines, 2015. Collection method: clinical testing. Allele origin: germline. Affected: yes. Not counted in ClinVar's aggregate classification.